The following is an entry in ClinVar:

NM_006415.4(SPTLC1):c.277dup (p.Thr93fs)

Gene: SPTLC1 (serine palmitoyltransferase long chain base subunit 1; minus strand). Cytogenetic location: 9q22.31.
Variant type: Duplication.
Coding change: c.277dup on transcript NM_006415.4 (MANE Select); coding-DNA position 277, one base duplicated (A; older notation c.277dupA).
Protein change: p.Thr93fs; shifts the reading frame from threonine 93.
Molecular consequence: frameshift variant. On other transcripts: 5 prime UTR variant (2).
Genome position (GRCh38, 1-based): chr9:92,080,947, T duplicated on the plus strand (A on the coding strand, the reverse complement: SPTLC1 is on the minus strand); the first of 4 consecutive T bases (chr9:92,080,947-92,080,950); duplicating any one gives the same sequence. VCF-style (leftmost placement, unchanged base first): chr9-92080946-G-GT. GRCh37 (hg19) VCF-style: chr9-94843228-G-GT.
Other names: c.277dup, p.Thr93fs (NM_001281303.2, NM_178324.3); c.-223dup (NM_001368272.1); c.-189dup (NM_001368273.1); short protein forms T93fs.
Identifiers: ClinVar variation 3727110 (VCV003727110.2).

ClinVar aggregate classification (germline): Uncertain significance (1 of 4 stars; one submission).

Conditions:
Hereditary sensory and autonomic neuropathy type 1 (HSAN1). Also called: HSAN 1; HSN Type I; Hereditary Sensory Neuropathy Type I. Identifiers: Orphanet 36386, MedGen C0020071, MONDO:0018213.

Submission:

Labcorp Genetics (formerly Invitae), Labcorp
Classification: Uncertain significance for Hereditary sensory and autonomic neuropathy type 1. Last evaluated: 2024-02-22. Review status: criteria provided, single submitter. Criteria: Invitae Variant Classification Sherloc (09022015). Collection method: clinical testing. Allele origin: germline.
Comment: This sequence change creates a premature translational stop signal (p.Thr93Asnfs*15) in the SPTLC1 gene. It is expected to result in an absent or disrupted protein product. However, the current clinical and genetic evidence is not sufficient to establish whether loss-of-function variants in SPTLC1 cause disease. This variant is present in population databases (rs746304060, gnomAD 0.0009%). This variant has not been reported in the literature in individuals affected with SPTLC1-related conditions. In summary, the available evidence is currently insufficient to determine the role of this variant in disease. Therefore, it has been classified as a Variant of Uncertain Significance.